The following is an entry in ClinVar:

NM_000391.4(TPP1):c.1465A>G (p.Asn489Asp)

Gene: TPP1 (tripeptidyl peptidase 1; minus strand). Cytogenetic location: 11p15.4.
Variant type: single nucleotide variant.
Coding change: c.1465A>G on transcript NM_000391.4 (MANE Select); coding-DNA position 1465, A replaced by G.
Protein change: p.Asn489Asp; replaces asparagine 489 with aspartic acid.
Molecular consequence: missense variant.
Genome position (GRCh38, 1-based): chr11:6,614,952, T>C on the plus strand (A>G on the coding strand, the complement: TPP1 is on the minus strand). VCF-style: chr11-6614952-T-C. GRCh37 (hg19) VCF-style: chr11-6636183-T-C.
Other names: short protein forms N489D.
Identifiers: ClinVar variation 1474639 (VCV001474639.4), dbSNP rs1198144212, ClinGen allele CA379472419.

ClinVar aggregate classification (germline): Uncertain significance. Review status: criteria provided, multiple submitters, no conflicts (2 of 4 stars). 2 submissions from 2 submitters: Uncertain significance (2). Last evaluated 2025-11-07.

Allele frequency attached by ClinVar (database versions not stated): TOPMed 0.00002; gnomAD exomes 0.00001.
gnomAD v4.1: 3 of 1,614,086 alleles (0.00019%); highest among the groups gnomAD compares: Non-Finnish European, 0.00025%; no homozygotes.

Submissions (2):

Women's Health and Genetics/Laboratory Corporation of America, LabCorp
Classification: Uncertain significance. Last evaluated: 2025-11-07. Review status: criteria provided, single submitter. Criteria: LabCorp Variant Classification Summary - May 2015. Collection method: clinical testing. Allele origin: germline.
Comment: Variant summary: TPP1 c.1465A>G (p.Asn489Asp) results in a conservative amino acid change in the encoded protein sequence. Algorithms developed to predict the effect of missense changes on protein structure and function are either unavailable or do not agree on the potential impact of this missense change. The variant allele was found at a frequency of 8e-06 in 251488 control chromosomes. The available data on variant occurrences in the general population are insufficient to allow any conclusion about variant significance. To our knowledge, no occurrence of c.1465A>G in individuals affected with TPP1-related conditions and no experimental evidence demonstrating its impact on protein function have been reported. ClinVar contains an entry for this variant (Variation ID: 1474639). Based on the evidence outlined above, the variant was classified as uncertain significance.

Labcorp Genetics (formerly Invitae), Labcorp
Classification: Uncertain significance. Last evaluated: 2021-10-29. Review status: criteria provided, single submitter. Criteria: Invitae Variant Classification Sherloc (09022015). Collection method: clinical testing. Allele origin: germline.
Comment: This sequence change replaces asparagine, which is neutral and polar, with aspartic acid, which is acidic and polar, at codon 489 of the TPP1 protein (p.Asn489Asp). This variant is present in population databases (no rsID available, gnomAD 0.01%). This variant has not been reported in the literature in individuals affected with TPP1-related conditions. Advanced modeling of protein sequence and biophysical properties (such as structural, functional, and spatial information, amino acid conservation, physicochemical variation, residue mobility, and thermodynamic stability) performed at Invitae indicates that this missense variant is expected to disrupt TPP1 protein function. In summary, the available evidence is currently insufficient to determine the role of this variant in disease. Therefore, it has been classified as a Variant of Uncertain Significance.